The following is an entry in ClinVar:

NM_000283.4(PDE6B):c.1147G>A (p.Val383Met)

Gene: PDE6B (phosphodiesterase 6B; plus strand). Cytogenetic location: 4p16.3.
Variant type: single nucleotide variant.
Coding change: c.1147G>A on transcript NM_000283.4 (MANE Select); coding-DNA position 1147, G replaced by A.
Protein change: p.Val383Met; replaces valine 383 with methionine.
Molecular consequence: missense variant. On other transcripts: 5 prime UTR variant (1).
Genome position (GRCh38, 1-based): chr4:656,913, G>A. VCF-style: chr4-656913-G-A. GRCh37 (hg19) VCF-style: chr4-650702-G-A.
Other names: c.1147G>A, p.Val383Met (NM_001145291.2); c.310G>A, p.Val104Met (NM_001145292.2, NM_001350154.3, NM_001379246.1 and 1 more transcripts); c.-9G>A (NM_001350155.3); short protein forms V383M, V104M.
Identifiers: ClinVar variation 2134831 (VCV002134831.4), dbSNP rs753934850, ClinGen allele CA2794376.

ClinVar aggregate classification (germline): Uncertain significance (1 of 4 stars; one submission).

Allele frequency attached by ClinVar (database versions not stated): TOPMed below 0.00001; ExAC 0.00001; gnomAD 0.00001.

Submission:

Labcorp Genetics (formerly Invitae), Labcorp
Classification: Uncertain significance. Last evaluated: 2025-09-02. Review status: criteria provided, single submitter. Criteria: Invitae Variant Classification Sherloc (09022015). Collection method: clinical testing. Allele origin: germline.
Comment: This sequence change replaces valine, which is neutral and non-polar, with methionine, which is neutral and non-polar, at codon 383 of the PDE6B protein (p.Val383Met). This variant is present in population databases (rs753934850, gnomAD 0.0009%). This variant has not been reported in the literature in individuals affected with PDE6B-related conditions. ClinVar contains an entry for this variant (Variation ID: 2134831). Invitae Evidence Modeling of protein sequence and biophysical properties (such as structural, functional, and spatial information, amino acid conservation, physicochemical variation, residue mobility, and thermodynamic stability) has been performed for this missense variant. However, the output from this modeling did not meet the statistical confidence thresholds required to predict the impact of this variant on PDE6B protein function. In summary, the available evidence is currently insufficient to determine the role of this variant in disease. Therefore, it has been classified as a Variant of Uncertain Significance.